The following is an entry in ClinVar:

ClinVar aggregate classification (germline): Uncertain significance. Review status: criteria provided, single submitter (1 of 4 stars). 2 submissions from 2 submitters: Uncertain significance (1). 1 of the submissions does not count toward it. Last evaluated 2024-03-14.

Conditions:
Leber congenital amaurosis 8 (LCA8). Identifiers: Orphanet 65, MedGen C3151202, MONDO:0013453, OMIM 613835.

gnomAD v4.1: 2 of 1,613,898 alleles (0.00012%); highest among the groups gnomAD compares: South Asian, 0.0022%; no homozygotes.

Submissions (2):

Women's Health and Genetics/Laboratory Corporation of America, LabCorp
Classification: Uncertain significance. Last evaluated: 2024-03-14. Review status: criteria provided, single submitter. Criteria: LabCorp Variant Classification Summary - May 2015. Collection method: clinical testing. Allele origin: germline.
Comment: Variant summary: CRB1 c.2234C>G (p.Thr745Arg) results in a non-conservative amino acid change located in the Laminin G domain (IPR001791) of the encoded protein sequence. Five of five in-silico tools predict a damaging effect of the variant on protein function. The variant allele was found at a frequency of 4e-06 in 250914 control chromosomes (gnomAD). To our knowledge, no occurrence of c.2234C>G in individuals affected with Retinal Dystrophy and no experimental evidence demonstrating its impact on protein function have been reported. Other missense changes affecting this amino acid have been found in association with disease, one of which (p.Thr745Met) has been determined to be pathogenic, suggesting this may be a functionally important residue. ClinVar contains an entry for this variant (Variation ID: 973910). Based on the evidence outlined above, the variant was classified as VUS-possibly pathogenic.

Laboratory of Genetics in Ophthalmology, Institut Imagine
Classification: Likely pathogenic for Leber congenital amaurosis 8. Review status: no assertion criteria provided. Collection method: research. Allele origin: inherited. Affected: yes. Observed: 1 variant allele. Not counted in ClinVar's aggregate classification.

NM_201253.3(CRB1):c.2234C>G (p.Thr745Arg)

Gene: CRB1 (crumbs cell polarity complex component 1; plus strand). Cytogenetic location: 1q31.3.
Variant type: single nucleotide variant.
Coding change: c.2234C>G on transcript NM_201253.3 (MANE Select); coding-DNA position 2234, C replaced by G.
Protein change: p.Thr745Arg; replaces threonine 745 with arginine.
Molecular consequence: missense variant. On other transcripts: non-coding transcript variant (2), intron variant (1).
Genome position (GRCh38, 1-based): chr1:197,427,559, C>G. VCF-style: chr1-197427559-C-G. GRCh37 (hg19) VCF-style: chr1-197396689-C-G.
Other names: c.1898C>G, p.Thr633Arg (NM_001193640.2); c.2027C>G, p.Thr676Arg (NM_001257965.2); c.2128+5603C>G (NM_001257966.2); short protein forms T633R, T676R, T745R.
Identifiers: ClinVar variation 973910 (VCV000973910.3), dbSNP rs28939720, ClinGen allele CA35900412.